The following is an entry in ClinVar:

NM_000179.3(MSH6):c.3155A>G (p.Glu1052Gly)

Gene: MSH6 (mutS homolog 6; plus strand). Cytogenetic location: 2p16.3.
Variant type: single nucleotide variant.
Coding change: c.3155A>G on transcript NM_000179.3 (MANE Select); coding-DNA position 3155, A replaced by G.
Protein change: p.Glu1052Gly; replaces glutamic acid 1052 with glycine.
Molecular consequence: missense variant.
Genome position (GRCh38, 1-based): chr2:47,801,138, A>G. VCF-style: chr2-47801138-A-G. GRCh37 (hg19) VCF-style: chr2-48028277-A-G.
Other names: c.2765A>G, p.Glu922Gly (NM_001281492.2); c.2249A>G, p.Glu750Gly (NM_001281493.2, NM_001281494.2); short protein forms E1052G, E922G, E750G.
Identifiers: ClinVar variation 141197 (VCV000141197.18), dbSNP rs587781568, ClinGen allele CA011668.
Genomic context (GRCh38, chr2:47,801,138, plus strand): 5'-GCATGCGGCGACTGTTCTATAACTTTGATAAAAATTACAAGGACTGGCAGTCTGCTGTAG[A>G]GTGTATCGCAGTGTTGGGTAAGACTTTGAACAAGCTTGTTCTCAGGCTTTGATAAGTAGT-3'
Protein context (NP_000170.1, residues 1042-1062): KNYKDWQSAV[Glu1052Gly]CIAVLDVLLC

ClinVar aggregate classification (germline): Conflicting classifications of pathogenicity. Review status: criteria provided, conflicting classifications (1 of 4 stars). 5 submissions from 4 submitters: Uncertain significance (4); Likely benign (1). Last evaluated 2025-12-09.

Conditions:
Hereditary nonpolyposis colorectal neoplasms. Identifiers: MedGen C0009405, MeSH D003123.
Hereditary cancer-predisposing syndrome. Also called: Neoplastic Syndromes, Hereditary; Tumor predisposition; Hereditary Cancer Syndrome; Hereditary neoplastic syndrome. Identifiers: Orphanet 140162, MedGen C0027672, MeSH D009386, MONDO:0015356.
Lynch syndrome 5 (LYNCH5). Also called: Colorectal cancer, hereditary nonpolyposis, type 5; Hereditary non-polyposis colorectal cancer, type 5. Identifiers: Orphanet 144, MedGen C1833477, MONDO:0013710, OMIM 614350. Disease mechanism: loss of function.
Endometrial carcinoma. Also called: Endometrial carcinoma, somatic. Identifiers: MedGen C0476089, MONDO:0002447, OMIM 608089, HP:0012114.

Allele frequency attached by ClinVar (database versions not stated): ExAC 0.00001; gnomAD exomes 0.00001.
gnomAD v4.1: 5 of 1,610,824 alleles (0.00031%); highest among the groups gnomAD compares: Admixed American, 0.0083%; no homozygotes.

Submissions (5):

Labcorp Genetics (formerly Invitae), Labcorp
Classification: Likely benign for Hereditary nonpolyposis colorectal neoplasms. Last evaluated: 2025-12-09. Review status: criteria provided, single submitter. Criteria: Invitae Variant Classification Sherloc (09022015). Collection method: clinical testing. Allele origin: germline.

Ambry Genetics
Classification: Uncertain significance for Hereditary cancer-predisposing syndrome. Last evaluated: 2025-09-01. Review status: criteria provided, single submitter. Criteria: Ambry Variant Classification Scheme 2023. Collection method: clinical testing. Allele origin: germline.
Comment: The p.E1052G variant (also known as c.3155A>G), located in coding exon 4 of the MSH6 gene, results from an A to G substitution at nucleotide position 3155. The glutamic acid at codon 1052 is replaced by glycine, an amino acid with similar properties. This amino acid position is well conserved in available vertebrate species. In addition, this alteration is predicted to be deleterious by in silico analysis. Since supporting evidence is limited at this time, the clinical significance of this alteration remains unclear.

Color Diagnostics, LLC DBA Color Health
Classification: Uncertain significance for Hereditary cancer-predisposing syndrome. Last evaluated: 2025-07-10. Review status: criteria provided, single submitter. Criteria: ACMG Guidelines, 2015. Collection method: clinical testing. Allele origin: germline.
Comment: This missense variant replaces glutamic acid with glycine at codon 1052 of the MSH6 protein. Computational prediction suggests that this variant may have deleterious impact on protein structure and function. To our knowledge, functional studies have not been reported for this variant. This variant has not been reported in individuals affected with MSH6-related disorders in the literature. This variant has been identified in 3/246208 chromosomes in the general population by the Genome Aggregation Database (gnomAD). The available evidence is insufficient to determine the role of this variant in disease conclusively. Therefore, this variant is classified as a Variant of Uncertain Significance.

Baylor Genetics
Classification: Uncertain significance for Endometrial carcinoma. Last evaluated: 2024-02-06. Review status: criteria provided, single submitter. Criteria: ACMG Guidelines, 2015. Collection method: clinical testing. Allele origin: unknown.

Baylor Genetics
Classification: Uncertain significance for Lynch syndrome 5. Last evaluated: 2019-02-21. Review status: criteria provided, single submitter. Criteria: ACMG Guidelines, 2015. Collection method: clinical testing. Allele origin: paternal. Affected: yes. Study: CSER-TexasKidsCanSeq.
Comment: This variant was determined to be of uncertain significance according to ACMG Guidelines, 2015 [PMID:25741868].